The following is an entry in ClinVar:

NM_000169.3(GLA):c.997C>A (p.Gln333Lys)

Genes: GLA (galactosidase alpha; minus strand), RPL36A-HNRNPH2 (RPL36A-HNRNPH2 readthrough; plus strand). Cytogenetic location: Xq22.1.
Variant type: single nucleotide variant.
Coding change: c.997C>A on transcript NM_000169.3 (MANE Select); coding-DNA position 997, C replaced by A.
Protein change: p.Gln333Lys; replaces glutamine 333 with lysine.
Molecular consequence: missense variant. On other transcripts: non-coding transcript variant (3), intron variant (2).
Genome position (GRCh38, 1-based): chrX:101,398,372, G>T on the plus strand (C>A on the coding strand, the complement: GLA is on the minus strand). VCF-style: chrX-101398372-G-T. GRCh37 (hg19) VCF-style: chrX-100653360-G-T.
Other names: c.1120C>A, p.Gln374Lys (NM_001406747.1); c.997C>A, p.Gln333Lys (NM_001406748.1); c.300+2915G>T (NM_001199973.2); c.177+6550G>T (NM_001199974.2); short protein forms Q333K, Q374K.
Identifiers: ClinVar variation 4974853 (VCV004974853.1).

ClinVar aggregate classification (germline): Uncertain significance (1 of 4 stars; one submission).

Conditions:
Fabry disease. Also called: Fabry's disease; ALPHA-GALACTOSIDASE A DEFICIENCY; ANDERSON-FABRY DISEASE; CERAMIDE TRIHEXOSIDASE DEFICIENCY; GLA DEFICIENCY; HEREDITARY DYSTOPIC LIPIDOSIS. Identifiers: Orphanet 324, MedGen C0002986, MONDO:0010526, OMIM 301500, HP:0001071. Disease mechanism: Fabry disease is due to inactivating mutations in the X-linked GLA gene resulting in deficiency of the enzyme Alpha Galactosidase-A., loss of function.

Submission:

Genomenon, Inc
Classification: Uncertain significance for Fabry disease. Last evaluated: 2026-09-08. Review status: criteria provided, single submitter. Criteria: Genomenon Sequence Variant Interpretation Standards - Updated. Collection method: curation. Allele origin: germline. Affected: no.
Comment: GLA p.Gln333Lys (c.997C>A) is a missense variant that changes the amino acid at codon 333 from Glutamine to Lysine. This variant has been reported in the published literature (PMID:39468034). It is absent or not present at a significant frequency in gnomAD. In conclusion, we classify GLA p.Gln333Lys (c.997C>A) as a variant of uncertain significance.

Literature cited by the submitters: PubMed 39468034.